The following is an entry in ClinVar:

NM_018136.5(ASPM):c.10168C>T (p.Arg3390Ter)

Gene: ASPM (assembly factor for spindle microtubules; minus strand). Cytogenetic location: 1q31.3.
Variant type: single nucleotide variant.
Coding change: c.10168C>T on transcript NM_018136.5 (MANE Select); coding-DNA position 10168, C replaced by T.
Protein change: p.Arg3390Ter; replaces arginine 3390 with a stop codon.
Molecular consequence: nonsense.
Genome position (GRCh38, 1-based): chr1:197,086,966, G>A on the plus strand (C>T on the coding strand, the complement: ASPM is on the minus strand). VCF-style: chr1-197086966-G-A. GRCh37 (hg19) VCF-style: chr1-197056096-G-A.
Other names: c.5413C>T, p.Arg1805Ter (NM_001206846.2); short protein forms R3390*, R1805*.
Identifiers: ClinVar variation 157773 (VCV000157773.35), dbSNP rs587783211, ClinGen allele CA270993.

ClinVar aggregate classification (germline): Pathogenic. Review status: criteria provided, multiple submitters, no conflicts (2 of 4 stars). 9 submissions from 9 submitters: Pathogenic (7). 2 of the submissions do not count toward it. Last evaluated 2025-10-27.

Conditions:
Inborn genetic diseases. Identifiers: MedGen C0950123, MeSH D030342.
Microcephaly 5, primary, autosomal recessive (MCPH5). Also called: ASPM Primary Microcephaly. Identifiers: Orphanet 2512, MedGen C1837501, MONDO:0012106, OMIM 608716.

Allele frequency attached by ClinVar (database versions not stated): TOPMed 0.00002; gnomAD 0.00006 and 0.00002; gnomAD exomes 0.00001 and 0.00002; ExAC 0.00002.
gnomAD v4.1: 19 of 1,606,934 alleles (0.0012%); highest among the groups gnomAD compares: African/African-American, 0.0094%; no homozygotes.

Submissions (9):

Dasa
Classification: Pathogenic. Last evaluated: 2025-10-27. Review status: criteria provided, single submitter. Criteria: DASA Assertion Criteria. Collection method: clinical testing. Allele origin: germline.
Comment: NM_018136.5(ASPM):c.10168C>T (p.Arg3390*) introduces a premature termination codon predicted to result in loss of normal protein function. Loss-of-function is an established mechanism of disease for this gene. Segregation evidence has been reported in affected families. This variant has been observed in affected individuals with related phenotype in a genotype context consistent with recessive disease (PMID: 25786579). This variant has been reported in individuals with related phenotype (PMID: 25786579). The variant is present at low frequency in population datasets. Based on the available data, this variant is classified as pathogenic.

Genomic Medicine Center of Excellence, King Faisal Specialist Hospital and Research Centre
Classification: Pathogenic for Microcephaly 5, primary, autosomal recessive. Last evaluated: 2025-09-10. Review status: criteria provided, single submitter. Criteria: ACMG Guidelines, 2015. Collection method: clinical testing. Allele origin: germline.

GeneDx
Classification: Pathogenic. Last evaluated: 2025-06-04. Review status: criteria provided, single submitter. Criteria: GeneDx Variant Classification Process June 2021. Collection method: clinical testing. Allele origin: germline. Affected: yes.
Comment: Nonsense variant predicted to result in protein truncation or nonsense mediated decay in a gene for which loss-of-function is a known mechanism of disease; This variant is associated with the following publications: (PMID: 18452193, 27250695, 25786579)

Labcorp Genetics (formerly Invitae), Labcorp
Classification: Pathogenic. Last evaluated: 2025-05-08. Review status: criteria provided, single submitter. Criteria: Invitae Variant Classification Sherloc (09022015). Collection method: clinical testing. Allele origin: germline.
Comment: This sequence change creates a premature translational stop signal (p.Arg3390*) in the ASPM gene. It is expected to result in an absent or disrupted protein product. Loss-of-function variants in ASPM are known to be pathogenic (PMID: 19028728, 23611254). This variant is present in population databases (rs587783211, gnomAD 0.01%). This premature translational stop signal has been observed in individual(s) with primary microcephaly (PMID: 25786579, 27250695). In at least one individual the data is consistent with being in trans (on the opposite chromosome) from a pathogenic variant. It has also been observed to segregate with disease in related individuals. ClinVar contains an entry for this variant (Variation ID: 157773). For these reasons, this variant has been classified as Pathogenic.

Genome-Nilou Lab
Classification: Pathogenic for Microcephaly 5, primary, autosomal recessive. Last evaluated: 2023-04-11. Review status: criteria provided, single submitter. Criteria: ACMG Guidelines, 2015. Collection method: clinical testing. Allele origin: germline. Affected: no.

Ambry Genetics
Classification: Pathogenic for Inborn genetic diseases. Last evaluated: 2017-08-18. Review status: criteria provided, single submitter. Criteria: Ambry exome assertion method (8-5-2015). Collection method: clinical testing. Allele origin: germline. Affected: yes. Observed: 1 variant allele.

Genetic Services Laboratory, University of Chicago
Classification: Pathogenic for Microcephaly 5, primary, autosomal recessive. Last evaluated: 2013-12-17. Review status: criteria provided, single submitter. Criteria: ACMG Guidelines, 2007. Collection method: clinical testing. Allele origin: germline. Inheritance: Autosomal recessive inheritance. Affected: yes.

Clinical Laboratory Sciences Program (CLSP), King Saud bin Abdulaziz University for Health Sciences (KSAU-HS)
Classification: Pathogenic for Microcephaly 5, primary, autosomal recessive. Last evaluated: 2023-04-01. Review status: no assertion criteria provided. Collection method: clinical testing. Allele origin: germline. Affected: yes. Not counted in ClinVar's aggregate classification.

Service de Génétique Moléculaire, Hôpital Robert Debré
Classification: Pathogenic for Microcephaly 5, primary, autosomal recessive. Review status: no assertion criteria provided. Collection method: clinical testing. Allele origin: unknown. Affected: yes. Not counted in ClinVar's aggregate classification.

Literature cited by the submitters: PubMed 25786579 (cited by 3 submitters); PubMed 19028728 (cited by Labcorp Genetics (formerly Invitae), Labcorp); PubMed 23611254 (cited by Labcorp Genetics (formerly Invitae), Labcorp); PubMed 27250695 (cited by Labcorp Genetics (formerly Invitae), Labcorp and Ambry Genetics).